The following is an entry in ClinVar:

NM_001918.5(DBT):c.224G>A (p.Gly75Glu)

Gene: DBT (dihydrolipoamide branched chain transacylase E2; minus strand). Cytogenetic location: 1p21.2.
Variant type: single nucleotide variant.
Coding change: c.224G>A on transcript NM_001918.5 (MANE Select); coding-DNA position 224, G replaced by A.
Protein change: p.Gly75Glu; replaces glycine 75 with glutamic acid.
Molecular consequence: missense variant. On other transcripts: non-coding transcript variant (4), 5 prime UTR variant (2).
Genome position (GRCh38, 1-based): chr1:100,235,463, C>T on the plus strand (G>A on the coding strand, the complement: DBT is on the minus strand). VCF-style: chr1-100235463-C-T. GRCh37 (hg19) VCF-style: chr1-100701019-C-T.
Other names: c.-320G>A (NM_001399969.1, NM_001399972.1); short protein forms G75E.
Identifiers: ClinVar variation 4746873 (VCV004746873.1).
Genomic context (GRCh38, chr1:100,235,463, plus strand): 5'-ATTTACTTAAGAGCTTTTTTCAGATTCACTTACCATTCTTTAACAGTTACTTCTCTAATC[C>T]CTTCTCCAATGTCTGAGAGCTTGAACTGAACAACCTGTCCACGGAGAGCTTCAAAGACAA-3'
Protein context (NP_001909.4, residues 65-85): VQFKLSDIGE[Gly75Glu]IREVTVKEWY

ClinVar aggregate classification (germline): Likely pathogenic (1 of 4 stars; one submission).

Conditions:
Maple syrup urine disease (MSUD). Identifiers: Orphanet 511, MedGen C0024776, MeSH D008375, MONDO:0009563. Disease mechanism: loss of function.

Submission:

Labcorp Genetics (formerly Invitae), Labcorp
Classification: Likely pathogenic for Maple syrup urine disease. Last evaluated: 2025-03-31. Review status: criteria provided, single submitter. Criteria: Invitae Variant Classification Sherloc (09022015). Collection method: clinical testing. Allele origin: germline.
Comment: This sequence change replaces glycine, which is neutral and non-polar, with glutamic acid, which is acidic and polar, at codon 75 of the DBT protein (p.Gly75Glu). This variant is not present in population databases (gnomAD no frequency). This missense change has been observed in individuals with maple syrup urine disease (PMID: 27896100; internal data). Invitae Evidence Modeling of protein sequence and biophysical properties (such as structural, functional, and spatial information, amino acid conservation, physicochemical variation, residue mobility, and thermodynamic stability) indicates that this missense variant is expected to disrupt DBT protein function with a positive predictive value of 95%. In summary, the currently available evidence indicates that the variant is pathogenic, but additional data are needed to prove that conclusively. Therefore, this variant has been classified as Likely Pathogenic.

Literature cited by the submitters: PubMed 27896100.